The following is an entry in ClinVar:

NM_000214.3(JAG1):c.2979C>T (p.Ser993=)

Gene: JAG1 (jagged canonical Notch ligand 1; minus strand). Cytogenetic location: 20p12.2.
Variant type: single nucleotide variant.
Coding change: c.2979C>T on transcript NM_000214.3 (MANE Select); coding-DNA position 2979, C replaced by T.
Protein change: p.Ser993=; no amino-acid change (serine 993 retained).
Molecular consequence: synonymous variant.
Genome position (GRCh38, 1-based): chr20:10,641,182, G>A on the plus strand (C>T on the coding strand, the complement: JAG1 is on the minus strand). VCF-style: chr20-10641182-G-A. GRCh37 (hg19) VCF-style: chr20-10621830-G-A.
Identifiers: ClinVar variation 896089 (VCV000896089.17), dbSNP rs542976402, ClinGen allele CA9764335.

ClinVar aggregate classification (germline): Conflicting classifications of pathogenicity. Review status: criteria provided, conflicting classifications (1 of 4 stars). 5 submissions from 5 submitters: Uncertain significance (1); Likely benign (3). 1 of the submissions does not count toward it. Last evaluated 2025-11-19.

Conditions:
Cardiovascular phenotype. Identifiers: MedGen CN230736.
JAG1-related disorder. Also called: JAG1-related condition; JAG1-related disorders.
Alagille syndrome due to a JAG1 point mutation. Also called: Alagille Syndrome 1; HEPATIC DUCTULAR HYPOPLASIA, SYNDROMATIC; JAG1-Related Alagille Syndrome. Identifiers: Orphanet 261619, Orphanet 52, MedGen C1956125, MONDO:0016862, OMIM 118450.
Isolated Nonsyndromic Congenital Heart Disease.

Allele frequency attached by ClinVar (database versions not stated): gnomAD exomes 0.00008; ExAC 0.00011; gnomAD 0.00016; TOPMed 0.00016; 1000 Genomes Project 0.00020; 1000 Genomes Project 30x 0.00031.
gnomAD v4.1: 81 of 1,613,790 alleles (0.005%); highest among the groups gnomAD compares: South Asian, 0.042%; no homozygotes.

Submissions (5):

Labcorp Genetics (formerly Invitae), Labcorp
Classification: Likely benign for Alagille syndrome due to a JAG1 point mutation. Last evaluated: 2025-11-19. Review status: criteria provided, single submitter. Criteria: Invitae Variant Classification Sherloc (09022015). Collection method: clinical testing. Allele origin: germline.

Ambry Genetics
Classification: Likely benign for Cardiovascular phenotype. Last evaluated: 2022-04-20. Review status: criteria provided, single submitter. Criteria: Ambry Variant Classification Scheme 2023. Collection method: clinical testing. Allele origin: germline.

Blueprint Genetics
Classification: Likely benign. Last evaluated: 2021-06-02. Review status: criteria provided, single submitter. Criteria: ACMG Guidelines, 2015. Collection method: clinical testing. Allele origin: germline.

Illumina Laboratory Services, Illumina
Classification: Uncertain significance for Isolated Nonsyndromic Congenital Heart Disease. Last evaluated: 2017-04-27. Review status: criteria provided, single submitter. Criteria: ICSL Variant Classification Criteria 13 December 2019. Collection method: clinical testing. Allele origin: germline.

PreventionGenetics, part of Exact Sciences
Classification: Likely benign for JAG1-related condition. Last evaluated: 2021-09-03. Review status: no assertion criteria provided. Collection method: clinical testing. Allele origin: germline. Not counted in ClinVar's aggregate classification.
Comment: This variant is classified as likely benign based on ACMG/AMP sequence variant interpretation guidelines (Richards et al. 2015 PMID: 25741868, with internal and published modifications).